The following is an entry in ClinVar:

ClinVar aggregate classification (germline): Uncertain significance. Review status: criteria provided, multiple submitters, no conflicts (2 of 4 stars). 2 submissions from 2 submitters: Uncertain significance (2). Last evaluated 2024-01-30.

Conditions:
Inborn genetic diseases. Identifiers: MedGen C0950123, MeSH D030342.
Nemaline myopathy 2 (NEM2). Also called: Nemaline myopathy 2, autosomal recessive. Identifiers: MedGen C1850569, MONDO:0009725, OMIM 256030.

Allele frequency attached by ClinVar (database versions not stated): gnomAD 0.00001; gnomAD exomes 0.00002.
gnomAD v4.1: 11 of 1,613,120 alleles (0.00068%); highest among the groups gnomAD compares: Non-Finnish European, 0.00085%; no homozygotes.

Submissions (2):

Ambry Genetics
Classification: Uncertain significance for Inborn genetic diseases. Last evaluated: 2024-01-30. Review status: criteria provided, single submitter. Criteria: Ambry Variant Classification Scheme 2023. Collection method: clinical testing. Allele origin: germline.

Labcorp Genetics (formerly Invitae), Labcorp
Classification: Uncertain significance for Nemaline myopathy 2. Last evaluated: 2022-05-05. Review status: criteria provided, single submitter. Criteria: Invitae Variant Classification Sherloc (09022015). Collection method: clinical testing. Allele origin: germline.
Comment: This sequence change replaces isoleucine, which is neutral and non-polar, with phenylalanine, which is neutral and non-polar, at codon 6181 of the NEB protein (p.Ile6181Phe). This variant is present in population databases (no rsID available, gnomAD 0.007%). This variant has not been reported in the literature in individuals affected with NEB-related conditions. Algorithms developed to predict the effect of missense changes on protein structure and function are either unavailable or do not agree on the potential impact of this missense change (SIFT: "Deleterious"; PolyPhen-2: "Not Available"; Align-GVGD: "Class C0"). In summary, the available evidence is currently insufficient to determine the role of this variant in disease. Therefore, it has been classified as a Variant of Uncertain Significance.

NM_001164508.2(NEB):c.18541A>T (p.Ile6181Phe)

Gene: NEB (nebulin; minus strand). Cytogenetic location: 2q23.3.
Variant type: single nucleotide variant.
Coding change: c.18541A>T on transcript NM_001164508.2 (MANE Select); coding-DNA position 18541, A replaced by T.
Protein change: p.Ile6181Phe; replaces isoleucine 6181 with phenylalanine.
Molecular consequence: missense variant.
Genome position (GRCh38, 1-based): chr2:151,563,861, T>A on the plus strand (A>T on the coding strand, the complement: NEB is on the minus strand). VCF-style: chr2-151563861-T-A. GRCh37 (hg19) VCF-style: chr2-152420375-T-A.
Other names: c.18541A>T, p.Ile6181Phe (NM_001164507.2, NM_001271208.2); c.13438A>T, p.Ile4480Phe (NM_004543.5); c.13438A>T (NM_004543.4); short protein forms I6181F, I4480F.
Identifiers: ClinVar variation 2147077 (VCV002147077.2), dbSNP rs1211919696, ClinGen allele CA348800247.